The following is an entry in ClinVar:

ClinVar aggregate classification (germline): Benign. Review status: criteria provided, multiple submitters, no conflicts (2 of 4 stars). 6 submissions from 6 submitters: Benign (6). Last evaluated 2026-01-21.

Allele frequency attached by ClinVar (database versions not stated): ESP Exome Variant Server 0.00015; gnomAD exomes 0.00038 and 0.00168; 1000 Genomes Project 0.00060; gnomAD 0.00061 and 0.00064; 1000 Genomes Project 30x 0.00078; ExAC 0.00120; TOPMed 0.00120.
gnomAD v4.1: 636 of 1,614,128 alleles (0.039%); highest among the groups gnomAD compares: Admixed American, 0.99%; 3 homozygotes.

Submissions (6):

Labcorp Genetics (formerly Invitae), Labcorp
Classification: Benign. Last evaluated: 2026-01-21. Review status: criteria provided, single submitter. Criteria: Invitae Variant Classification Sherloc (09022015). Collection method: clinical testing. Allele origin: germline.

Mayo Clinic Laboratories, Mayo Clinic
Classification: Benign. Last evaluated: 2025-04-28. Review status: criteria provided, single submitter. Criteria: ACMG Guidelines, 2015. Collection method: clinical testing. Allele origin: germline. Observed: 5 variant alleles.
Comment: BA1, BP4, BP7

GeneDx
Classification: Benign. Last evaluated: 2018-02-02. Review status: criteria provided, single submitter. Criteria: GeneDx Variant Classification (06012015). Collection method: clinical testing. Allele origin: germline. Affected: yes.
Comment: This variant is considered likely benign or benign based on one or more of the following criteria: it is a conservative change, it occurs at a poorly conserved position in the protein, it is predicted to be benign by multiple in silico algorithms, and/or has population frequency not consistent with disease.

Eurofins Ntd Llc (ga)
Classification: Benign. Last evaluated: 2015-04-21. Review status: criteria provided, single submitter. Criteria: EGL Classification Definitions 2015. Collection method: clinical testing. Allele origin: germline. Observed: 2 variant alleles, 2 heterozygotes.

Breakthrough Genomics
Classification: Benign. Review status: criteria provided, single submitter. Criteria: ACMG Guidelines, 2015. Collection method: not provided. Allele origin: germline. Inheritance: Autosomal recessive inheritance. Affected: yes.

PreventionGenetics, part of Exact Sciences
Classification: Benign. Review status: criteria provided, single submitter. Criteria: ACMG Guidelines, 2015. Collection method: clinical testing. Allele origin: germline.

NM_000443.4(ABCB4):c.833+6G>A

Gene: ABCB4 (ATP binding cassette subfamily B member 4; minus strand). Cytogenetic location: 7q21.12.
Variant type: single nucleotide variant.
Coding change: c.833+6G>A on transcript NM_000443.4 (MANE Select); 6 bases into the intron after coding-DNA position 833, G replaced by A.
Molecular consequence: intron variant.
Genome position (GRCh38, 1-based): chr7:87,449,962, C>T on the plus strand (G>A on the coding strand, the complement: ABCB4 is on the minus strand). VCF-style: chr7-87449962-C-T. GRCh37 (hg19) VCF-style: chr7-87079278-C-T.
Other names: p.?; c.833+6G>A (NM_018850.3, NM_018849.3).
Identifiers: ClinVar variation 198730 (VCV000198730.16), dbSNP rs202146217, ClinGen allele CA203579.
Genomic context (GRCh38, chr7:87,449,962, plus strand): 5'-ACAAAGAAGAAGCAACAAAATGTAAAAACACATTCCTTAAACCAGTGGCTAAAGAACCTT[C>T]CTGACCTTTCCAGCTCTTTGTTCTGGCCCCCGAAAGCTATCACAGTCCTGATGGCCCCCA-3'